The following is an entry in ClinVar:

ClinVar aggregate classification (germline): Benign. Review status: criteria provided, multiple submitters, no conflicts (2 of 4 stars). 10 submissions from 10 submitters: Benign (9). 1 of the submissions does not count toward it. Last evaluated 2026-02-01.

Conditions:
Autosomal recessive nonsyndromic hearing loss 77. Identifiers: Orphanet 90636, MedGen C2746083, MONDO:0013119, OMIM 613079.

Allele frequency attached by ClinVar (database versions not stated): ESP Exome Variant Server 0.00066; gnomAD 0.00656; TOPMed 0.00690; 1000 Genomes Project 30x 0.01796; 1000 Genomes Project 0.01817.
gnomAD v4.1: 6,400 of 1,551,660 alleles (0.41%); highest among the groups gnomAD compares: Admixed American, 5.1%; 156 homozygotes.

Submissions (10):

Labcorp Genetics (formerly Invitae), Labcorp
Classification: Benign. Last evaluated: 2026-02-01. Review status: criteria provided, single submitter. Criteria: Invitae Variant Classification Sherloc (09022015). Collection method: clinical testing. Allele origin: germline.

ARUP Laboratories, Molecular Genetics and Genomics, ARUP Laboratories
Classification: Benign for Autosomal recessive nonsyndromic hearing loss 77. Last evaluated: 2023-10-11. Review status: criteria provided, single submitter. Criteria: ARUP Molecular Germline Variant Investigation Process 2024. Collection method: clinical testing. Allele origin: germline.

Athena Diagnostics
Classification: Benign. Last evaluated: 2019-06-26. Review status: criteria provided, single submitter. Criteria: Athena Diagnostics Criteria. Collection method: clinical testing. Allele origin: germline.

GeneDx
Classification: Benign. Last evaluated: 2017-09-20. Review status: criteria provided, single submitter. Criteria: GeneDx Variant Classification (06012015). Collection method: clinical testing. Allele origin: germline. Affected: yes.
Comment: This variant is considered likely benign or benign based on one or more of the following criteria: it is a conservative change, it occurs at a poorly conserved position in the protein, it is predicted to be benign by multiple in silico algorithms, and/or has population frequency not consistent with disease.

Illumina Laboratory Services, Illumina
Classification: Benign for Autosomal recessive nonsyndromic hearing loss 77. Last evaluated: 2017-04-27. Review status: criteria provided, single submitter. Criteria: ICSL Variant Classification Criteria 13 December 2019. Collection method: clinical testing. Allele origin: germline.
Comment: This variant was observed as part of a predisposition screen in an ostensibly healthy population. A literature search was performed for the gene, cDNA change, and amino acid change (where applicable). No publications were found based on this search. Allele frequency data from public databases was too high to be consistent with this variant causing disease. Therefore, this variant is classified as benign.

Center for Pediatric Genomic Medicine, Children's Mercy Hospital and Clinics
Classification: Benign. Last evaluated: 2016-06-29. Review status: criteria provided, single submitter. Criteria: ACMG Guidelines, 2015. Collection method: clinical testing. Allele origin: germline.

Laboratory for Molecular Medicine, Mass General Brigham Personalized Medicine
Classification: Benign. Last evaluated: 2016-04-07. Review status: criteria provided, single submitter. Criteria: LMM Criteria. Collection method: clinical testing. Allele origin: germline. Observed: 43 variant alleles.
Comment: p.Arg1572Arg in Exon 30 of LOXHD1: This variant is not expected to have clinical significance because it does not alter an amino acid residue, is not located wi thin the splice consensus sequence, and has been identified in 5.8% (7/120) of c hromosomes from a population in the dbSNP database (projects/SNP; rs75949023).

Eurofins Ntd Llc (ga)
Classification: Benign. Last evaluated: 2015-07-28. Review status: criteria provided, single submitter. Criteria: EGL Classification Definitions 2015. Collection method: clinical testing. Allele origin: germline. Observed: 1 variant allele, 1 heterozygote.

Breakthrough Genomics
Classification: Benign. Review status: criteria provided, single submitter. Criteria: ACMG Guidelines, 2015. Collection method: not provided. Allele origin: germline. Inheritance: Autosomal recessive inheritance. Affected: yes.

Natera, Inc.
Classification: Benign for Autosomal recessive deafness type 77. Last evaluated: 2020-09-16. Review status: no assertion criteria provided. Collection method: clinical testing. Allele origin: germline. Not counted in ClinVar's aggregate classification.

NM_001384474.1(LOXHD1):c.4714C>A (p.Arg1572=)

Gene: LOXHD1 (lipoxygenase homology PLAT domains 1; minus strand). Cytogenetic location: 18q21.1.
Variant type: single nucleotide variant.
Coding change: c.4714C>A on transcript NM_001384474.1 (MANE Select); coding-DNA position 4714, C replaced by A.
Protein change: p.Arg1572=; no amino-acid change (arginine 1572 retained).
Molecular consequence: synonymous variant.
Genome position (GRCh38, 1-based): chr18:46,524,734, G>T on the plus strand (C>A on the coding strand, the complement: LOXHD1 is on the minus strand). VCF-style: chr18-46524734-G-T. GRCh37 (hg19) VCF-style: chr18-44104697-G-T.
Other names: c.1381C>A, p.Arg461= (NM_001145472.3); c.1093C>A, p.Arg365= (NM_001308013.2); c.4714C>A, p.Arg1572= (NM_144612.7).
Identifiers: ClinVar variation 47940 (VCV000047940.35), dbSNP rs75949023, ClinGen allele CA142226.